The following is an entry in ClinVar:

ClinVar aggregate classification (germline): Uncertain significance. Review status: criteria provided, multiple submitters, no conflicts (2 of 4 stars). 2 submissions from 2 submitters: Uncertain significance (2). Last evaluated 2025-06-25.

Conditions:
Glycine encephalopathy. Also called: Nonketotic hyperglycinemia; Non-ketotic hyperglycinemia. Identifiers: Orphanet 407, MedGen C0751748, MONDO:0011612, HP:0008288.
Inborn genetic diseases. Identifiers: MedGen C0950123, MeSH D030342.

Allele frequency attached by ClinVar (database versions not stated): gnomAD exomes below 0.00001.
gnomAD v4.1: 5 of 1,611,130 alleles (0.00031%); highest among the groups gnomAD compares: Admixed American, 0.0017%; no homozygotes.

Submissions (2):

Ambry Genetics
Classification: Uncertain significance for Inborn genetic diseases. Last evaluated: 2025-06-25. Review status: criteria provided, single submitter. Criteria: Ambry Variant Classification Scheme 2023. Collection method: clinical testing. Allele origin: germline.

Labcorp Genetics (formerly Invitae), Labcorp
Classification: Uncertain significance for Glycine encephalopathy. Last evaluated: 2022-02-10. Review status: criteria provided, single submitter. Criteria: Invitae Variant Classification Sherloc (09022015). Collection method: clinical testing. Allele origin: germline.
Comment: Algorithms developed to predict the effect of missense changes on protein structure and function are either unavailable or do not agree on the potential impact of this missense change (SIFT: "Tolerated"; PolyPhen-2: "Possibly Damaging"; Align-GVGD: "Class C0"). ClinVar contains an entry for this variant (Variation ID: 1059617). This variant has not been reported in the literature in individuals affected with GCSH-related conditions. This variant is not present in population databases (gnomAD no frequency). This sequence change replaces threonine, which is neutral and polar, with isoleucine, which is neutral and non-polar, at codon 68 of the GCSH protein (p.Thr68Ile). In summary, the available evidence is currently insufficient to determine the role of this variant in disease. Therefore, it has been classified as a Variant of Uncertain Significance.

NM_004483.5(GCSH):c.203C>T (p.Thr68Ile)

Gene: GCSH (glycine cleavage system protein H; minus strand). Cytogenetic location: 16q23.2.
Variant type: single nucleotide variant.
Coding change: c.203C>T on transcript NM_004483.5 (MANE Select); coding-DNA position 203, C replaced by T.
Protein change: p.Thr68Ile; replaces threonine 68 with isoleucine.
Molecular consequence: missense variant. On other transcripts: non-coding transcript variant (1).
Genome position (GRCh38, 1-based): chr16:81,090,626, G>A on the plus strand (C>T on the coding strand, the complement: GCSH is on the minus strand). VCF-style: chr16-81090626-G-A. GRCh37 (hg19) VCF-style: chr16-81124231-G-A.
Other names: c.203C>T (NM_004483.4); short protein forms T68I.
Identifiers: ClinVar variation 1059617 (VCV001059617.11), dbSNP rs145768524, ClinGen allele CA396888367.